The following is an entry in ClinVar:

ClinVar aggregate classification (germline): Uncertain significance (1 of 4 stars; one submission).

Conditions:
Inborn genetic diseases. Identifiers: MedGen C0950123, MeSH D030342.

Submission:

Ambry Genetics
Classification: Uncertain significance for Inborn genetic diseases. Last evaluated: 2020-09-10. Review status: criteria provided, single submitter. Criteria: Ambry Variant Classification Scheme 2023. Collection method: clinical testing. Allele origin: germline.
Comment: The c.5185+2T>C intronic alteration consists of a T to C substitution nucleotides after coding exon 30 in the DSCAM gene. Based on insufficient or conflicting evidence, the clinical significance of this alteration remains unclear.

NM_001389.5(DSCAM):c.5185+2T>C

Gene: DSCAM (DS cell adhesion molecule; minus strand). Cytogenetic location: 21q22.2.
Variant type: single nucleotide variant.
Coding change: c.5185+2T>C on transcript NM_001389.5 (MANE Select); the canonical splice donor site of the intron after coding-DNA position 5185, T replaced by C.
Molecular consequence: splice donor variant.
Genome position (GRCh38, 1-based): chr21:40,051,956, A>G on the plus strand (T>C on the coding strand, the complement: DSCAM is on the minus strand). VCF-style: chr21-40051956-A-G. GRCh37 (hg19) VCF-style: chr21-41423883-A-G.
Other names: c.5185+2T>C (NM_001271534.3).
Identifiers: ClinVar variation 2227467 (VCV002227467.2), dbSNP rs2516928770, ClinGen allele CA410296572.